The following is an entry in ClinVar:

ClinVar aggregate classification (germline): Uncertain significance (1 of 4 stars; one submission).

Conditions:
Dystonia 12 (DYT12). Also called: Rapid-Onset Dystonia-Parkinsonism (RDP); DYT-ATP1A3. Identifiers: Orphanet 71517, MedGen C1868681, MONDO:0007496, OMIM 128235.

Allele frequency attached by ClinVar (database versions not stated): gnomAD exomes below 0.00001; ExAC 0.00001.
gnomAD v4.1: 2 of 1,612,728 alleles (0.00012%); highest among the groups gnomAD compares: African/African-American, 0.0013%; no homozygotes.

Submission:

Labcorp Genetics (formerly Invitae), Labcorp
Classification: Uncertain significance for Dystonia 12. Last evaluated: 2024-06-09. Review status: criteria provided, single submitter. Criteria: Invitae Variant Classification Sherloc (09022015). Collection method: clinical testing. Allele origin: germline.
Comment: This sequence change replaces isoleucine, which is neutral and non-polar, with valine, which is neutral and non-polar, at codon 988 of the ATP1A3 protein (p.Ile988Val). This variant is present in population databases (rs782724935, gnomAD 0.007%). This variant has not been reported in the literature in individuals affected with ATP1A3-related conditions. Advanced modeling of protein sequence and biophysical properties (such as structural, functional, and spatial information, amino acid conservation, physicochemical variation, residue mobility, and thermodynamic stability) performed at Invitae indicates that this missense variant is expected to disrupt ATP1A3 protein function with a positive predictive value of 95%. In summary, the available evidence is currently insufficient to determine the role of this variant in disease. Therefore, it has been classified as a Variant of Uncertain Significance.

NM_152296.5(ATP1A3):c.2962A>G (p.Ile988Val)

Gene: ATP1A3 (ATPase Na+/K+ transporting subunit alpha 3; minus strand). Cytogenetic location: 19q13.2.
Variant type: single nucleotide variant.
Coding change: c.2962A>G on transcript NM_152296.5 (MANE Select); coding-DNA position 2962, A replaced by G.
Protein change: p.Ile988Val; replaces isoleucine 988 with valine.
Molecular consequence: missense variant.
Genome position (GRCh38, 1-based): chr19:41,967,300, T>C on the plus strand (A>G on the coding strand, the complement: ATP1A3 is on the minus strand). VCF-style: chr19-41967300-T-C. GRCh37 (hg19) VCF-style: chr19-42471452-T-C.
Other names: c.2995A>G, p.Ile999Val (NM_001256213.2); c.3001A>G, p.Ile1001Val (NM_001256214.2); short protein forms I1001V, I988V, I999V.
Identifiers: ClinVar variation 2991275 (VCV002991275.3), dbSNP rs782724935, ClinGen allele CA9467238.
Genomic context (GRCh38, chr19:41,967,300, plus strand): 5'-CTCCCTCACCCCCTGGGTTCCTGCGCAGGATGAGTTTGCGGATTTCGTCGTAGACGAAGA[T>C]GAGGAAACTGTAGGGGAAGGCACAGAACCACCAGCTGGGCCTGCAGAGGGGAGAGCAGGA-3'
Protein context (NP_689509.1, residues 978-998): WFCAFPYSFL[Ile988Val]FVYDEIRKLI